The following is an entry in ClinVar:

ClinVar aggregate classification (germline): Uncertain significance. Review status: criteria provided, multiple submitters, no conflicts (2 of 4 stars). 2 submissions from 2 submitters: Uncertain significance (2). Last evaluated 2023-05-05.

Conditions:
Inborn genetic diseases. Identifiers: MedGen C0950123, MeSH D030342.

gnomAD v4.1: 1 of 1,613,792 alleles (0.000062%); highest among the groups gnomAD compares: Non-Finnish European, 0.000085%; no homozygotes.

Submissions (2):

Ambry Genetics
Classification: Uncertain significance for Inborn genetic diseases. Last evaluated: 2023-05-05. Review status: criteria provided, single submitter. Criteria: Ambry Variant Classification Scheme 2023. Collection method: clinical testing. Allele origin: germline.

Labcorp Genetics (formerly Invitae), Labcorp
Classification: Uncertain significance. Last evaluated: 2022-02-09. Review status: criteria provided, single submitter. Criteria: Invitae Variant Classification Sherloc (09022015). Collection method: clinical testing. Allele origin: germline.
Comment: In summary, the available evidence is currently insufficient to determine the role of this variant in disease. Therefore, it has been classified as a Variant of Uncertain Significance. Algorithms developed to predict the effect of missense changes on protein structure and function (SIFT, PolyPhen-2, Align-GVGD) all suggest that this variant is likely to be tolerated. This variant has not been reported in the literature in individuals affected with DIP2C-related conditions. This variant is not present in population databases (gnomAD no frequency). This sequence change replaces lysine, which is basic and polar, with asparagine, which is neutral and polar, at codon 102 of the DIP2C protein (p.Lys102Asn).

NM_014974.3(DIP2C):c.306A>C (p.Lys102Asn)

Gene: DIP2C (DIP2 acetate--CoA ligase C (putative); minus strand). Cytogenetic location: 10p15.3.
Variant type: single nucleotide variant.
Coding change: c.306A>C on transcript NM_014974.3 (MANE Select); coding-DNA position 306, A replaced by C.
Protein change: p.Lys102Asn; replaces lysine 102 with asparagine.
Molecular consequence: missense variant.
Genome position (GRCh38, 1-based): chr10:440,959, T>G on the plus strand (A>C on the coding strand, the complement: DIP2C is on the minus strand). VCF-style: chr10-440959-T-G. GRCh37 (hg19) VCF-style: chr10-486899-T-G.
Other names: c.306A>C (NM_014974.2); short protein forms K102N.
Identifiers: ClinVar variation 1367328 (VCV001367328.9), dbSNP rs1030674887, ClinGen allele CA375835301.